The following is an entry in ClinVar:

ClinVar aggregate classification (germline): Uncertain significance. Review status: criteria provided, multiple submitters, no conflicts (2 of 4 stars). 2 submissions from 2 submitters: Uncertain significance (2). Last evaluated 2024-01-11.

Conditions:
Familial thoracic aortic aneurysm and aortic dissection (TAAD). Also called: Thoracic aortic aneurysms and dissections. Identifiers: Orphanet 91387, MedGen C4707243, MONDO:0019625.
Aneurysm-osteoarthritis syndrome. Also called: LOEYS-DIETZ SYNDROME WITH OSTEOARTHRITIS; SMAD3-Related Loeys-Dietz Syndrome; Loeys-Dietz syndrome, type 1C; ANEURYSMS-OSTEOARTHRITIS SYNDROME. Identifiers: Orphanet 284984, MedGen C3151087, MONDO:0013426, OMIM 613795.

Submissions (2):

All of Us Research Program, National Institutes of Health
Classification: Uncertain significance for Aneurysm-osteoarthritis syndrome. Last evaluated: 2024-01-11. Review status: criteria provided, single submitter. Criteria: ACMG Guidelines, 2015. Collection method: clinical testing. Allele origin: germline. Inheritance: Autosomal dominant inheritance. Observed: 1 variant allele, 1 heterozygote.
Comment: This missense variant replaces glycine with aspartic acid at codon 203 of the SMAD3 protein. Computational prediction tools and conservation analyses are inconclusive regarding the impact of this variant on the protein function. Computational splicing tools suggest that this variant may not impact RNA splicing. To our knowledge, functional assays have not been performed for this variant nor has this variant been reported in individuals affected with cardiovascular disorders in the literature. This variant has not been identified in the general population by the Genome Aggregation Database (gnomAD). Available evidence is insufficient to determine the role of this variant in disease conclusively. Therefore, this variant is classified as a Variant of Uncertain Significance.

This study involves interpretation of variants in research participants for the purpose of population health screening. Participant phenotype was not available at the time of variant classification. Additional details can be found in publication PMID: 35346344, PMCID: PMC8962531

Color Diagnostics, LLC DBA Color Health
Classification: Uncertain significance for Familial thoracic aortic aneurysm and aortic dissection. Last evaluated: 2019-05-21. Review status: criteria provided, single submitter. Criteria: ACMG Guidelines, 2015. Collection method: clinical testing. Allele origin: germline.
Comment: This missense variant replaces glycine with aspartic acid at codon 203 of the SMAD3 protein. Computational prediction tools and conservation analyses are inconclusive regarding the impact of this variant on the protein function. Computational splicing tools suggest that this variant may not impact RNA splicing. To our knowledge, functional assays have not been performed for this variant nor has this variant been reported in individuals affected with cardiovascular disorders in the literature. This variant has not been identified in the general population by the Genome Aggregation Database (gnomAD). Available evidence is insufficient to determine the role of this variant in disease conclusively. Therefore, this variant is classified as a Variant of Uncertain Significance.

NM_005902.4(SMAD3):c.608G>A (p.Gly203Asp)

Gene: SMAD3 (SMAD family member 3; plus strand). Cytogenetic location: 15q22.33.
Variant type: single nucleotide variant.
Coding change: c.608G>A on transcript NM_005902.4 (MANE Select); coding-DNA position 608, G replaced by A.
Protein change: p.Gly203Asp; replaces glycine 203 with aspartic acid.
Molecular consequence: missense variant.
Genome position (GRCh38, 1-based): chr15:67,170,554, G>A. VCF-style: chr15-67170554-G-A. GRCh37 (hg19) VCF-style: chr15-67462892-G-A.
Other names: c.293G>A, p.Gly98Asp (NM_001145102.2); c.476G>A, p.Gly159Asp (NM_001145103.2); c.23G>A, p.Gly8Asp (NM_001145104.2); short protein forms G8D, G159D, G203D, G98D.
Identifiers: ClinVar variation 924801 (VCV000924801.4), dbSNP rs1962720069, ClinGen allele CA392954984.
Genomic context (GRCh38, chr15:67,170,554, plus strand): 5'-AACTTGGCTCTCCAGGCCAAGAATCTTTTGTGAAGTCTCACAACTTGTCTCACCTCGCAG[G>A]TTCTCCAAACCTATCCCCGAATCCGATGTCCCCAGCACATAATAACTTGGGTGAGTATCT-3'
Protein context (NP_005893.1, residues 193-213): DHQMNHSMDA[Gly203Asp]SPNLSPNPMS